The following is an entry in ClinVar:

NM_001122630.2(CDKN1C):c.461T>C (p.Val154Ala)

Gene: CDKN1C (cyclin dependent kinase inhibitor 1C; minus strand). Cytogenetic location: 11p15.4.
Variant type: single nucleotide variant.
Coding change: c.461T>C on transcript NM_001122630.2 (MANE Select); coding-DNA position 461, T replaced by C.
Protein change: p.Val154Ala; replaces valine 154 with alanine.
Molecular consequence: missense variant. On other transcripts: intron variant (1).
Genome position (GRCh38, 1-based): chr11:2,884,996, A>G on the plus strand (T>C on the coding strand, the complement: CDKN1C is on the minus strand). VCF-style: chr11-2884996-A-G. GRCh37 (hg19) VCF-style: chr11-2906226-A-G.
Other names: c.494T>C, p.Val165Ala (NM_000076.2, NM_001362474.2); c.461T>C, p.Val154Ala (NM_001122631.2); c.255+206T>C (NM_001362475.2); short protein forms V165A, V154A.
Identifiers: ClinVar variation 1397076 (VCV001397076.8), dbSNP rs1191295512, ClinGen allele CA379146590.
Genomic context (GRCh38, chr11:2,884,996, plus strand): 5'-GCCGGGGCCGGGGCCGGGGCCAGGACCGCGACCGCGACCGGAGCCGCGACCGGAGCCGCG[A>G]CCGGAGCCGGAGCCGGGGCCGGGGCTGGAGCCAGGACCGGGACTGGGGGCGGGGTGGACG-3'
Protein context (NP_001116102.1, residues 144-164): APAPAPAPAP[Val154Ala]AAPVAAPVAV

ClinVar aggregate classification (germline): Uncertain significance (1 of 4 stars; one submission).

Conditions:
Beckwith-Wiedemann syndrome (BWS). Also called: EMG SYNDROME; Exomphalos macroglossia gigantism syndrome. Identifiers: Orphanet 116, MedGen C0004903, MONDO:0007534, OMIM 130650.

Allele frequency attached by ClinVar (database versions not stated): gnomAD 0.00002.

Submission:

Labcorp Genetics (formerly Invitae), Labcorp
Classification: Uncertain significance for Beckwith-Wiedemann syndrome. Last evaluated: 2025-07-23. Review status: criteria provided, single submitter. Criteria: Invitae Variant Classification Sherloc (09022015). Collection method: clinical testing. Allele origin: germline.
Comment: This sequence change replaces valine, which is neutral and non-polar, with alanine, which is neutral and non-polar, at codon 165 of the CDKN1C protein (p.Val165Ala). The frequency data for this variant in the population databases is considered unreliable, as metrics indicate insufficient coverage at this position in the gnomAD database. This variant has not been reported in the literature in individuals affected with CDKN1C-related conditions. ClinVar contains an entry for this variant (Variation ID: 1397076). Invitae Evidence Modeling of protein sequence and biophysical properties (such as structural, functional, and spatial information, amino acid conservation, physicochemical variation, residue mobility, and thermodynamic stability) indicates that this missense variant is not expected to disrupt CDKN1C protein function with a negative predictive value of 80%. In summary, the available evidence is currently insufficient to determine the role of this variant in disease. Therefore, it has been classified as a Variant of Uncertain Significance.